The following is an entry in ClinVar:

ClinVar aggregate classification (germline): Conflicting classifications of pathogenicity. Review status: criteria provided, conflicting classifications (1 of 4 stars). 3 submissions from 3 submitters: Uncertain significance (2); Benign (1). Last evaluated 2026-04-17.

Conditions:
Xeroderma pigmentosum (XP). Identifiers: Orphanet 910, MedGen C0043346, MONDO:0019600.

Allele frequency attached by ClinVar (database versions not stated): ESP Exome Variant Server 0.00008; gnomAD 0.00009; gnomAD exomes 0.00014 and 0.00021; ExAC 0.00025; 1000 Genomes Project 30x 0.00062; 1000 Genomes Project 0.00080; TOPMed 0.00002.
gnomAD v4.1: 207 of 1,566,360 alleles (0.013%); highest among the groups gnomAD compares: South Asian, 0.17%; no homozygotes.

Submissions (3):

Women's Health and Genetics/Laboratory Corporation of America, LabCorp
Classification: Benign. Last evaluated: 2026-04-17. Review status: criteria provided, single submitter. Criteria: LabCorp Variant Classification Summary - May 2015. Collection method: clinical testing. Allele origin: germline.
Comment: Variant summary: ERCC3 c.2064+5A>G alters a non-conserved nucleotide located close to a canonical splice site and therefore could affect mRNA splicing, leading to a significantly altered protein sequence. Consensus agreement among computation tools predict no significant impact on normal splicing. However, these predictions have yet to be confirmed by functional studies. The variant allele was found at a frequency of 0.00021 in 251444 control chromosomes. The observed variant frequency exceeds the estimated maximal expected allele frequency for disease-causing variants in ERCC3. To our knowledge, no occurrence of c.2064+5A>G in individuals affected with ERCC3-related conditions and no experimental evidence demonstrating its impact on protein function have been reported. ClinVar contains an entry for this variant (Variation ID: 1432642). Based on the evidence outlined above, the variant was classified as benign.

Labcorp Genetics (formerly Invitae), Labcorp
Classification: Uncertain significance. Last evaluated: 2022-04-20. Review status: criteria provided, single submitter. Criteria: Invitae Variant Classification Sherloc (09022015). Collection method: clinical testing. Allele origin: germline.
Comment: This sequence change falls in intron 13 of the ERCC3 gene. It does not directly change the encoded amino acid sequence of the ERCC3 protein. It affects a nucleotide within the consensus splice site. This variant is present in population databases (rs372749473, gnomAD 0.2%). This variant has not been reported in the literature in individuals affected with ERCC3-related conditions. Variants that disrupt the consensus splice site are a relatively common cause of aberrant splicing (PMID: 17576681, 9536098). Algorithms developed to predict the effect of sequence changes on RNA splicing suggest that this variant is not likely to affect RNA splicing. In summary, the available evidence is currently insufficient to determine the role of this variant in disease. Therefore, it has been classified as a Variant of Uncertain Significance.

Sema4
Classification: Uncertain significance for Xeroderma pigmentosum. Last evaluated: 2021-09-20. Review status: criteria provided, single submitter. Criteria: Sema4 Curation Guidelines. Collection method: curation. Allele origin: germline.
Comment: The ERCC3 c.2064+5A>G variant has not been reported in the literature to our knowledge. This variant was observed in 47/30616 chromosomes in the South Asian population, including no homozygotes, according to the Genome Aggregation Database (PMID: 32461654). The variant has not been reported in ClinVar. In silico tools developed to predict the effect of sequence changes on RNA splicing do not suggest negative effect on normal splicing, though these predictions have not been confirmed by functional studies. The evidence is insufficient to meet ACMG/AMP criteria for classifying the variant as benign or pathogenic. Thus, the clinical significance of this variant is currently uncertain.

Literature cited by the submitters: PubMed 17576681 (cited by Labcorp Genetics (formerly Invitae), Labcorp); PubMed 9536098 (cited by Labcorp Genetics (formerly Invitae), Labcorp).

NM_000122.2(ERCC3):c.2064+5A>G

Gene: ERCC3 (ERCC excision repair 3, TFIIH core complex helicase subunit; minus strand). Cytogenetic location: 2q14.3.
Variant type: single nucleotide variant.
Coding change: c.2064+5A>G on transcript NM_000122.2 (MANE Select); 5 bases into the intron after coding-DNA position 2064, A replaced by G.
Molecular consequence: intron variant.
Genome position (GRCh38, 1-based): chr2:127,261,223, T>C on the plus strand (A>G on the coding strand, the complement: ERCC3 is on the minus strand). VCF-style: chr2-127261223-T-C. GRCh37 (hg19) VCF-style: chr2-128018799-T-C.
Other names: c.1872+5A>G (NM_001303416.2, NM_001303418.2).
Identifiers: ClinVar variation 1432642 (VCV001432642.5), dbSNP rs372749473, ClinGen allele CA1858110.